The following is an entry in ClinVar:

NM_018489.3(ASH1L):c.1990A>G (p.Thr664Ala)

Gene: ASH1L (ASH1 like histone lysine methyltransferase; minus strand). Cytogenetic location: 1q22.
Variant type: single nucleotide variant.
Coding change: c.1990A>G on transcript NM_018489.3 (MANE Select); coding-DNA position 1990, A replaced by G.
Protein change: p.Thr664Ala; replaces threonine 664 with alanine.
Molecular consequence: missense variant.
Genome position (GRCh38, 1-based): chr1:155,480,880, T>C on the plus strand (A>G on the coding strand, the complement: ASH1L is on the minus strand). VCF-style: chr1-155480880-T-C. GRCh37 (hg19) VCF-style: chr1-155450671-T-C.
Other names: c.1990A>G, p.Thr664Ala (NM_001366177.2); short protein forms T664A.
Identifiers: ClinVar variation 5039768 (VCV005039768.1).

ClinVar aggregate classification (germline): Uncertain significance (1 of 4 stars; one submission).

Submission:

CeGaT Center for Human Genetics Tuebingen
Classification: Uncertain significance. Last evaluated: 2026-07-01. Review status: criteria provided, single submitter. Criteria: CeGaT Center For Human Genetics Tuebingen Variant Classification Criteria Version 2. Collection method: clinical testing. Allele origin: germline. Affected: yes. Observed: 1 variant allele.
Comment: ASH1L: PM2, BP4